The following is an entry in ClinVar:

NM_006059.4(LAMC3):c.3305G>A (p.Arg1102His)

Gene: LAMC3 (laminin subunit gamma 3; plus strand). Cytogenetic location: 9q34.12.
Variant type: single nucleotide variant.
Coding change: c.3305G>A on transcript NM_006059.4 (MANE Select); coding-DNA position 3305, G replaced by A.
Protein change: p.Arg1102His; replaces arginine 1102 with histidine.
Molecular consequence: missense variant.
Genome position (GRCh38, 1-based): chr9:131,072,723, G>A. VCF-style: chr9-131072723-G-A. GRCh37 (hg19) VCF-style: chr9-133948110-G-A.
Other names: c.3305G>A (NM_006059.3); short protein forms R1102H.
Identifiers: ClinVar variation 1473069 (VCV001473069.6), dbSNP rs1377008496, ClinGen allele CA375258923.

ClinVar aggregate classification (germline): Conflicting classifications of pathogenicity. Review status: criteria provided, conflicting classifications (1 of 4 stars). 2 submissions from 2 submitters: Uncertain significance (1); Likely benign (1). Last evaluated 2025-08-10.

Conditions:
Inborn genetic diseases. Identifiers: MedGen C0950123, MeSH D030342.

Allele frequency attached by ClinVar (database versions not stated): gnomAD exomes below 0.00001.

Submissions (2):

Ambry Genetics
Classification: Likely benign for Inborn genetic diseases. Last evaluated: 2025-08-10. Review status: criteria provided, single submitter. Criteria: Ambry Variant Classification Scheme 2023. Collection method: clinical testing. Allele origin: germline.

Labcorp Genetics (formerly Invitae), Labcorp
Classification: Uncertain significance. Last evaluated: 2024-06-17. Review status: criteria provided, single submitter. Criteria: Invitae Variant Classification Sherloc (09022015). Collection method: clinical testing. Allele origin: germline.
Comment: This sequence change replaces arginine, which is basic and polar, with histidine, which is basic and polar, at codon 1102 of the LAMC3 protein (p.Arg1102His). The frequency data for this variant in the population databases is considered unreliable, as metrics indicate poor data quality at this position in the gnomAD database. This variant has not been reported in the literature in individuals affected with LAMC3-related conditions. ClinVar contains an entry for this variant (Variation ID: 1473069). Algorithms developed to predict the effect of missense changes on protein structure and function output the following: SIFT: "Not Available"; PolyPhen-2: "Benign"; Align-GVGD: "Not Available". The histidine amino acid residue is found in multiple mammalian species, which suggests that this missense change does not adversely affect protein function. In summary, the available evidence is currently insufficient to determine the role of this variant in disease. Therefore, it has been classified as a Variant of Uncertain Significance.